The following is an entry in ClinVar:

ClinVar aggregate classification (germline): Uncertain significance (1 of 4 stars; one submission).

Conditions:
Early-infantile DEE. Also called: Early infantile epileptic encephalopathy with suppression bursts; Early infantile epileptic encephalopathy; Ohtahara syndrome. Identifiers: Orphanet 1934, MedGen C0393706, MONDO:0800491.

Submission:

Labcorp Genetics (formerly Invitae), Labcorp
Classification: Uncertain significance for Early-infantile DEE. Last evaluated: 2026-01-12. Review status: criteria provided, single submitter. Criteria: Invitae Variant Classification Sherloc (09022015). Collection method: clinical testing. Allele origin: germline.
Comment: This sequence change replaces serine, which is neutral and polar, with proline, which is neutral and non-polar, at codon 651 of the HCN1 protein (p.Ser651Pro). This variant is not present in population databases (gnomAD no frequency). This variant has not been reported in the literature in individuals affected with HCN1-related conditions. Invitae Evidence Modeling of protein sequence and biophysical properties (such as structural, functional, and spatial information, amino acid conservation, physicochemical variation, residue mobility, and thermodynamic stability) indicates that this missense variant is not expected to disrupt HCN1 protein function with a negative predictive value of 95%. In summary, the available evidence is currently insufficient to determine the role of this variant in disease. Therefore, it has been classified as a Variant of Uncertain Significance.

NM_021072.4(HCN1):c.1951T>C (p.Ser651Pro)

Gene: HCN1 (hyperpolarization activated cyclic nucleotide gated potassium channel 1; minus strand). Cytogenetic location: 5p12.
Variant type: single nucleotide variant.
Coding change: c.1951T>C on transcript NM_021072.4 (MANE Select); coding-DNA position 1951, T replaced by C.
Protein change: p.Ser651Pro; replaces serine 651 with proline.
Molecular consequence: missense variant.
Genome position (GRCh38, 1-based): chr5:45,262,643, A>G on the plus strand (T>C on the coding strand, the complement: HCN1 is on the minus strand). VCF-style: chr5-45262643-A-G. GRCh37 (hg19) VCF-style: chr5-45262745-A-G.
Other names: short protein forms S651P.
Identifiers: ClinVar variation 4760984 (VCV004760984.1).